The following is an entry in ClinVar:

ClinVar aggregate classification (germline): Likely benign. Review status: criteria provided, multiple submitters, no conflicts (2 of 4 stars). 5 submissions from 5 submitters: Likely benign (5). Last evaluated 2026-01-04.

Conditions:
LTBP2-related disorder. Also called: LTBP2-related condition; LTBP2-related disorders.

Allele frequency attached by ClinVar (database versions not stated): ESP Exome Variant Server 0.00015; TOPMed 0.00024.
gnomAD v4.1: 359 of 1,613,326 alleles (0.022%); highest among the groups gnomAD compares: Middle Eastern, 0.63%; 1 homozygote.

Submissions (5):

Labcorp Genetics (formerly Invitae), Labcorp
Classification: Likely benign. Last evaluated: 2026-01-04. Review status: criteria provided, single submitter. Criteria: Invitae Variant Classification Sherloc (09022015). Collection method: clinical testing. Allele origin: germline.

PreventionGenetics, part of Exact Sciences
Classification: Likely benign for LTBP2-related condition. Last evaluated: 2025-02-12. Review status: criteria provided, single submitter. Criteria: ACMG Guidelines, 2015. Collection method: clinical testing. Allele origin: germline.
Comment: This variant is classified as likely benign based on ACMG/AMP sequence variant interpretation guidelines (Richards et al. 2015 PMID: 25741868, with internal and published modifications).

Blueprint Genetics
Classification: Likely benign. Last evaluated: 2024-10-24. Review status: criteria provided, single submitter. Criteria: ACMG Guidelines, 2015. Collection method: clinical testing. Allele origin: germline.

CeGaT Center for Human Genetics Tuebingen
Classification: Likely benign. Last evaluated: 2022-10-01. Review status: criteria provided, single submitter. Criteria: CeGaT Center For Human Genetics Tuebingen Variant Classification Criteria Version 2. Collection method: clinical testing. Allele origin: germline. Affected: yes. Observed: 1 variant allele.
Comment: LTBP2: BP4, BP7

Breakthrough Genomics
Classification: Likely benign. Review status: criteria provided, single submitter. Criteria: ACMG Guidelines, 2015. Collection method: not provided. Allele origin: germline. Inheritance: Autosomal recessive inheritance. Affected: yes.

NM_000428.3(LTBP2):c.1296G>A (p.Pro432=)

Gene: LTBP2 (latent transforming growth factor beta binding protein 2; minus strand). Cytogenetic location: 14q24.3.
Variant type: single nucleotide variant.
Coding change: c.1296G>A on transcript NM_000428.3 (MANE Select); coding-DNA position 1296, G replaced by A.
Protein change: p.Pro432=; no amino-acid change (proline 432 retained).
Molecular consequence: synonymous variant.
Genome position (GRCh38, 1-based): chr14:74,552,290, C>T on the plus strand (G>A on the coding strand, the complement: LTBP2 is on the minus strand). VCF-style: chr14-74552290-C-T. GRCh37 (hg19) VCF-style: chr14-75018993-C-T.
Identifiers: ClinVar variation 748369 (VCV000748369.35), dbSNP rs143214774, ClinGen allele CA7269925.